The following is an entry in ClinVar:

ClinVar aggregate classification (germline): Uncertain significance. Review status: criteria provided, multiple submitters, no conflicts (2 of 4 stars). 2 submissions from 2 submitters: Uncertain significance (2). Last evaluated 2024-11-18.

Conditions:
Inborn genetic diseases. Identifiers: MedGen C0950123, MeSH D030342.

Allele frequency attached by ClinVar (database versions not stated): gnomAD exomes 0.00001; gnomAD 0.00002; TOPMed 0.00002.
gnomAD v4.1: 9 of 1,392,050 alleles (0.00065%); highest among the groups gnomAD compares: African/African-American, 0.0046%; no homozygotes.

Submissions (2):

Ambry Genetics
Classification: Uncertain significance for Inborn genetic diseases. Last evaluated: 2024-11-18. Review status: criteria provided, single submitter. Criteria: Ambry Variant Classification Scheme 2023. Collection method: clinical testing. Allele origin: germline.
Comment: The p.S69L variant (also known as c.206C>T), located in coding exon 1 of the KDM1A gene, results from a C to T substitution at nucleotide position 206. The serine at codon 69 is replaced by leucine, an amino acid with dissimilar properties. This amino acid position is conserved. In addition, this alteration is predicted to be tolerated by in silico analysis. Based on the available evidence, the clinical significance of this variant remains unclear.

Labcorp Genetics (formerly Invitae), Labcorp
Classification: Uncertain significance. Last evaluated: 2022-11-06. Review status: criteria provided, single submitter. Criteria: Invitae Variant Classification Sherloc (09022015). Collection method: clinical testing. Allele origin: germline.
Comment: In summary, the available evidence is currently insufficient to determine the role of this variant in disease. Therefore, it has been classified as a Variant of Uncertain Significance. Algorithms developed to predict the effect of missense changes on protein structure and function are either unavailable or do not agree on the potential impact of this missense change (SIFT: "Tolerated"; PolyPhen-2: "Possibly Damaging"; Align-GVGD: "Class C0"). This variant has not been reported in the literature in individuals affected with KDM1A-related conditions. This variant is present in population databases (no rsID available, gnomAD 0.02%). This sequence change replaces serine, which is neutral and polar, with leucine, which is neutral and non-polar, at codon 69 of the KDM1A protein (p.Ser69Leu).

NM_001009999.3(KDM1A):c.206C>T (p.Ser69Leu)

Gene: KDM1A (lysine demethylase 1A; plus strand). Cytogenetic location: 1p36.12.
Variant type: single nucleotide variant.
Coding change: c.206C>T on transcript NM_001009999.3 (MANE Select); coding-DNA position 206, C replaced by T.
Protein change: p.Ser69Leu; replaces serine 69 with leucine.
Molecular consequence: missense variant.
Genome position (GRCh38, 1-based): chr1:23,019,802, C>T. VCF-style: chr1-23019802-C-T. GRCh37 (hg19) VCF-style: chr1-23346295-C-T.
Other names: c.206C>T (NM_001009999.2); c.206C>T, p.Ser69Leu (NM_001363654.2, NM_001410762.1, NM_001410763.1 and 1 more transcripts); short protein forms S69L.
Identifiers: ClinVar variation 2873749 (VCV002873749.4), dbSNP rs996794739, ClinGen allele CA19198881.